The following is an entry in ClinVar:

NM_001352914.2(PPP2R5C):c.-7_9dup (p.Thr4fs)

Gene: PPP2R5C (protein phosphatase 2 regulatory subunit B'gamma; plus strand). Cytogenetic location: 14q32.31.
Variant type: Duplication.
Coding change: c.-7_9dup on transcript NM_001352914.2; 7 bases upstream of the start codon through coding-DNA position 9, 16 bases duplicated (CTGTCGGATGGGCGGG).
Protein change: p.Thr4fs; shifts the reading frame from threonine 4.
Molecular consequence: frameshift variant, initiator codon variant.
Genome position (GRCh38, 1-based): chr14:101,760,678-101,760,693, CTGTCGGATGGGCGGG duplicated; duplicating any 16 consecutive bases within chr14:101,760,671-101,760,693 gives the same sequence; the c. name uses the placement nearest the transcript's 3' end. VCF-style (leftmost placement, unchanged base first): chr14-101760670-G-GGGGCGGGCTGTCGGAT. GRCh37 (hg19) VCF-style: chr14-102227007-G-GGGGCGGGCTGTCGGAT.
Other names: short protein forms T4fs.
Identifiers: ClinVar variation 3054115 (VCV003054115.2), dbSNP rs568665056, ClinGen allele CA267249405.

ClinVar aggregate classification (germline): Likely benign (0 of 4 stars; one submission).

Conditions:
PPP2R5C-related disorder. Also called: PPP2R5C-related condition.

Submission:

PreventionGenetics, part of Exact Sciences
Classification: Likely benign for PPP2R5C-related condition. Last evaluated: 2022-07-08. Review status: no assertion criteria provided. Collection method: clinical testing. Allele origin: germline.
Comment: This variant is classified as likely benign based on ACMG/AMP sequence variant interpretation guidelines (Richards et al. 2015 PMID: 25741868, with internal and published modifications).